The following is an entry in ClinVar:

NM_004562.3(PRKN):c.734+8945T>G

Gene: PRKN (parkin RBR E3 ubiquitin protein ligase; minus strand). Cytogenetic location: 6q26.
Variant type: single nucleotide variant.
Coding change: c.734+8945T>G on transcript NM_004562.3 (MANE Select); 8945 bases into the intron after coding-DNA position 734, T replaced by G.
Molecular consequence: intron variant.
Genome position (GRCh38, 1-based): chr6:161,964,357, A>C on the plus strand (T>G on the coding strand, the complement: PRKN is on the minus strand). VCF-style: chr6-161964357-A-C. GRCh37 (hg19) VCF-style: chr6-162385389-A-C.
Other names: c.287+8945T>G (NM_013988.3); c.650+8945T>G (NM_013987.3).
Identifiers: ClinVar variation 1711650 (VCV001711650.30), dbSNP rs76437736, ClinGen allele CA151578723.

ClinVar aggregate classification (germline): Benign (1 of 4 stars; one submission).

Allele frequency attached by ClinVar (database versions not stated): 1000 Genomes Project 30x 0.00437; 1000 Genomes Project 0.00439; TOPMed 0.00754.
gnomAD v4.1: 1,183 of 152,122 alleles (0.78%); highest among the groups gnomAD compares: Non-Finnish European, 1.4%; 7 homozygotes.

Submission:

CeGaT Center for Human Genetics Tuebingen
Classification: Benign. Last evaluated: 2023-07-01. Review status: criteria provided, single submitter. Criteria: CeGaT Center For Human Genetics Tuebingen Variant Classification Criteria Version 2. Collection method: clinical testing. Allele origin: germline. Affected: yes. Observed: 15 variant alleles.
Comment: PRKN: BS1, BS2